The following is an entry in ClinVar:

NM_018122.5(DARS2):c.1468A>G (p.Lys490Glu)

Gene: DARS2 (aspartyl-tRNA synthetase 2, mitochondrial; plus strand). Cytogenetic location: 1q25.1.
Variant type: single nucleotide variant.
Coding change: c.1468A>G on transcript NM_018122.5 (MANE Select); coding-DNA position 1468, A replaced by G.
Protein change: p.Lys490Glu; replaces lysine 490 with glutamic acid.
Molecular consequence: missense variant.
Genome position (GRCh38, 1-based): chr1:173,853,472, A>G. VCF-style: chr1-173853472-A-G. GRCh37 (hg19) VCF-style: chr1-173822610-A-G.
Other names: c.1315A>G, p.Lys439Glu (NM_001365212.1); short protein forms K490E, K439E.
Identifiers: ClinVar variation 2071420 (VCV002071420.5), dbSNP rs2525927342, ClinGen allele CA343766537.

ClinVar aggregate classification (germline): Uncertain significance. Review status: criteria provided, multiple submitters, no conflicts (2 of 4 stars). 2 submissions from 2 submitters: Uncertain significance (2). Last evaluated 2024-05-15.

Conditions:
Leukoencephalopathy with brain stem and spinal cord involvement-high lactate syndrome (LBSL). Also called: MITOCHONDRIAL ASPARTYL-tRNA SYNTHETASE DEFICIENCY; LEUKOENCEPHALOPATHY WITH BRAINSTEM AND SPINAL CORD INVOLVEMENT AND LACTATE ELEVATION, MILD; Leukoencephalopathy with Brainstem and Spinal Cord Involvement and Lactate Elevation. Identifiers: Orphanet 137898, MedGen C1970180, MONDO:0012622, OMIM 611105.

Submissions (2):

Laboratorio de Genetica e Diagnostico Molecular, Hospital Israelita Albert Einstein
Classification: Uncertain significance for Leukoencephalopathy with brain stem and spinal cord involvement-high lactate syndrome. Last evaluated: 2024-05-15. Review status: criteria provided, single submitter. Criteria: ACMG Guidelines, 2015. Collection method: clinical testing. Allele origin: germline. Affected: yes.
Comment: ACMG classification criteria: PM2 supporting

Labcorp Genetics (formerly Invitae), Labcorp
Classification: Uncertain significance. Last evaluated: 2023-05-22. Review status: criteria provided, single submitter. Criteria: Invitae Variant Classification Sherloc (09022015). Collection method: clinical testing. Allele origin: germline.
Comment: This variant is not present in population databases (gnomAD no frequency). This sequence change replaces lysine, which is basic and polar, with glutamic acid, which is acidic and polar, at codon 490 of the DARS2 protein (p.Lys490Glu). This variant has not been reported in the literature in individuals affected with DARS2-related conditions. ClinVar contains an entry for this variant (Variation ID: 2071420). Advanced modeling of protein sequence and biophysical properties (such as structural, functional, and spatial information, amino acid conservation, physicochemical variation, residue mobility, and thermodynamic stability) performed at Invitae indicates that this missense variant is expected to disrupt DARS2 protein function. In summary, the available evidence is currently insufficient to determine the role of this variant in disease. Therefore, it has been classified as a Variant of Uncertain Significance.